The following is an entry in ClinVar:

ClinVar aggregate classification (germline): Pathogenic (1 of 4 stars; one submission).

Conditions:
Alstrom syndrome (ALMS). Identifiers: Orphanet 64, MedGen C0268425, MONDO:0008763, OMIM 203800.

Submission:

Labcorp Genetics (formerly Invitae), Labcorp
Classification: Pathogenic for Alstrom syndrome. Last evaluated: 2022-09-12. Review status: criteria provided, single submitter. Criteria: Invitae Variant Classification Sherloc (09022015). Collection method: clinical testing. Allele origin: germline.
Comment: For these reasons, this variant has been classified as Pathogenic. ClinVar contains an entry for this variant (Variation ID: 1419935). This variant has not been reported in the literature in individuals affected with ALMS1-related conditions. This variant is not present in population databases (gnomAD no frequency). This sequence change creates a premature translational stop signal (p.Thr197Argfs*7) in the ALMS1 gene. It is expected to result in an absent or disrupted protein product. Loss-of-function variants in ALMS1 are known to be pathogenic (PMID: 17594715).

Literature cited by the submitters: PubMed 17594715.

NM_001378454.1(ALMS1):c.586del (p.Thr196fs)

Gene: ALMS1 (ALMS1 centrosome and basal body associated protein; plus strand). Cytogenetic location: 2p13.1.
Variant type: Deletion.
Coding change: c.586del on transcript NM_001378454.1 (MANE Select); coding-DNA position 586, one base deleted (A; older notation c.586delA).
Protein change: p.Thr196fs; shifts the reading frame from threonine 196.
Molecular consequence: frameshift variant.
Genome position (GRCh38, 1-based): chr2:73,419,258, A deleted. VCF-style (leftmost placement, unchanged base first): chr2-73419257-GA-G. GRCh37 (hg19) VCF-style: chr2-73646385-GA-G.
Other names: c.589del, p.Thr197fs (NM_015120.4); short protein forms T196fs, T197fs.
Identifiers: ClinVar variation 1419935 (VCV001419935.7), dbSNP rs2103701730, ClinGen allele CA2573135744.